The following is an entry in ClinVar:

ClinVar aggregate classification (germline): Likely benign (1 of 4 stars; one submission).

Conditions:
TJP2-related disorder. Also called: TJP2-related condition.

gnomAD v4.1: 5 of 1,602,576 alleles (0.00031%); highest among the groups gnomAD compares: African/African-American, 0.004%; no homozygotes.

Submission:

PreventionGenetics, part of Exact Sciences
Classification: Likely benign for TJP2-related condition. Last evaluated: 2025-02-14. Review status: criteria provided, single submitter. Criteria: ACMG Guidelines, 2015. Collection method: clinical testing. Allele origin: germline.
Comment: This variant is classified as likely benign based on ACMG/AMP sequence variant interpretation guidelines (Richards et al. 2015 PMID: 25741868, with internal and published modifications).

NM_004817.4(TJP2):c.940A>C (p.Arg314=)

Gene: TJP2 (tight junction protein 2; plus strand). Cytogenetic location: 9q21.11.
Variant type: single nucleotide variant.
Coding change: c.940A>C on transcript NM_004817.4 (MANE Select); coding-DNA position 940, A replaced by C.
Protein change: p.Arg314=; no amino-acid change (arginine 314 retained).
Molecular consequence: synonymous variant.
Genome position (GRCh38, 1-based): chr9:69,221,484, A>C. VCF-style: chr9-69221484-A-C. GRCh37 (hg19) VCF-style: chr9-71836400-A-C.
Other names: c.871A>C, p.Arg291= (NM_001170414.2, NM_001369870.1, NM_001369871.1); c.952A>C, p.Arg318= (NM_001170415.1, NM_001369874.1, NM_001369875.1); c.1033A>C, p.Arg345= (NM_001170416.2); c.940A>C, p.Arg314= (NM_001369872.1, NM_001369873.1, NM_201629.3).
Identifiers: ClinVar variation 4985554 (VCV004985554.1).